The following is an entry in ClinVar:

ClinVar aggregate classification (germline): Uncertain significance. Review status: criteria provided, multiple submitters, no conflicts (2 of 4 stars). 2 submissions from 2 submitters: Uncertain significance (2). Last evaluated 2023-12-12.

Allele frequency attached by ClinVar (database versions not stated): ExAC 0.00002; gnomAD 0.00002; gnomAD exomes 0.00002; TOPMed 0.00003.
gnomAD v4.1: 30 of 1,612,698 alleles (0.0019%); highest among the groups gnomAD compares: Middle Eastern, 0.016%; no homozygotes.

Submissions (2):

Ambry Genetics
Classification: Uncertain significance. Last evaluated: 2023-12-12. Review status: criteria provided, single submitter. Criteria: Ambry Variant Classification Scheme 2023. Collection method: clinical testing. Allele origin: germline.

Labcorp Genetics (formerly Invitae), Labcorp
Classification: Uncertain significance. Last evaluated: 2023-09-04. Review status: criteria provided, single submitter. Criteria: Invitae Variant Classification Sherloc (09022015). Collection method: clinical testing. Allele origin: germline.
Comment: This sequence change replaces asparagine, which is neutral and polar, with aspartic acid, which is acidic and polar, at codon 702 of the KLB protein (p.Asn702Asp). This variant is present in population databases (rs746695765, gnomAD 0.007%). This variant has not been reported in the literature in individuals affected with KLB-related conditions. Advanced modeling of protein sequence and biophysical properties (such as structural, functional, and spatial information, amino acid conservation, physicochemical variation, residue mobility, and thermodynamic stability) performed at Invitae indicates that this missense variant is not expected to disrupt KLB protein function. In summary, the available evidence is currently insufficient to determine the role of this variant in disease. Therefore, it has been classified as a Variant of Uncertain Significance.

NM_175737.4(KLB):c.2104A>G (p.Asn702Asp)

Gene: KLB (klotho beta; plus strand). Cytogenetic location: 4p14.
Variant type: single nucleotide variant.
Coding change: c.2104A>G on transcript NM_175737.4 (MANE Select); coding-DNA position 2104, A replaced by G.
Protein change: p.Asn702Asp; replaces asparagine 702 with aspartic acid.
Molecular consequence: missense variant.
Genome position (GRCh38, 1-based): chr4:39,446,830, A>G. VCF-style: chr4-39446830-A-G. GRCh37 (hg19) VCF-style: chr4-39448450-A-G.
Other names: c.2104A>G (NM_175737.3); short protein forms N702D.
Identifiers: ClinVar variation 2912075 (VCV002912075.4), dbSNP rs746695765, ClinGen allele CA2893940.